The following is an entry in ClinVar:

ClinVar aggregate classification (germline): Uncertain significance (1 of 4 stars; one submission).

Submission:

Labcorp Genetics (formerly Invitae), Labcorp
Classification: Uncertain significance. Last evaluated: 2021-07-28. Review status: criteria provided, single submitter. Criteria: Invitae Variant Classification Sherloc (09022015). Collection method: clinical testing. Allele origin: germline.
Comment: In summary, the available evidence is currently insufficient to determine the role of this variant in disease. Therefore, it has been classified as a Variant of Uncertain Significance. Algorithms developed to predict the effect of missense changes on protein structure and function are either unavailable or do not agree on the potential impact of this missense change (SIFT: "Deleterious"; PolyPhen-2: "Benign"; Align-GVGD: "Class C15"). This variant has not been reported in the literature in individuals affected with ZNF341-related conditions. This variant is not present in population databases (ExAC no frequency). This sequence change replaces proline with leucine at codon 210 of the ZNF341 protein (p.Pro210Leu). The proline residue is moderately conserved and there is a moderate physicochemical difference between proline and leucine.

NM_001282933.2(ZNF341):c.629C>T (p.Pro210Leu)

Gene: ZNF341 (zinc finger protein 341; plus strand). Cytogenetic location: 20q11.22.
Variant type: single nucleotide variant.
Coding change: c.629C>T on transcript NM_001282933.2 (MANE Select); coding-DNA position 629, C replaced by T.
Protein change: p.Pro210Leu; replaces proline 210 with leucine.
Molecular consequence: missense variant. On other transcripts: non-coding transcript variant (1).
Genome position (GRCh38, 1-based): chr20:33,753,311, C>T. VCF-style: chr20-33753311-C-T. GRCh37 (hg19) VCF-style: chr20-32341117-C-T.
Other names: c.359C>T, p.Pro120Leu (NM_001282935.2); c.629C>T, p.Pro210Leu (NM_032819.5); short protein forms P120L, P210L.
Identifiers: ClinVar variation 1493965 (VCV001493965.4), dbSNP rs2122664777, ClinGen allele CA408649869.